The following is an entry in ClinVar:

NM_006846.4(SPINK5):c.3187-76C>T

Gene: SPINK5 (serine peptidase inhibitor Kazal type 5; plus strand). Cytogenetic location: 5q32.
Variant type: single nucleotide variant.
Coding change: c.3187-76C>T on transcript NM_006846.4 (MANE Select); 76 bases into the intron before coding-DNA position 3187, C replaced by T.
Molecular consequence: intron variant.
Genome position (GRCh38, 1-based): chr5:148,136,907, C>T. VCF-style: chr5-148136907-C-T. GRCh37 (hg19) VCF-style: chr5-147516470-C-T.
Other names: c.3277-76C>T (NM_001127698.2).
Identifiers: ClinVar variation 2688404 (VCV002688404.2), dbSNP rs4334874, ClinGen allele CA16244844.

ClinVar aggregate classification (germline): Benign (1 of 4 stars; one submission).

Allele frequency attached by ClinVar (database versions not stated): ESP Exome Variant Server 0.44109; TOPMed 0.44159; 1000 Genomes Project 30x 0.49001; 1000 Genomes Project 0.49101.
gnomAD v4.1: 610,035 of 1,541,166 alleles (40%); highest among the groups gnomAD compares: African/African-American, 58%; 124,712 homozygotes.

Submission:

Unidad de Genómica Garrahan, Hospital de Pediatría Garrahan
Classification: Benign. Last evaluated: 2024-01-24. Review status: criteria provided, single submitter. Criteria: ACMG Guidelines, 2015. Collection method: clinical testing. Allele origin: germline. Affected: no. Observed: 50 variant alleles.
Comment: This variant is classified as Benign based on local population frequency. This variant was detected in 57% of patients studied by a panel of primary immunodeficiencies. Number of patients: 50. Only high quality variants are reported.